The following is an entry in ClinVar:

NM_006267.5(RANBP2):c.151A>G (p.Thr51Ala)

Gene: RANBP2 (RAN binding protein 2; plus strand). Cytogenetic location: 2q13.
Variant type: single nucleotide variant.
Coding change: c.151A>G on transcript NM_006267.5 (MANE Select); coding-DNA position 151, A replaced by G.
Protein change: p.Thr51Ala; replaces threonine 51 with alanine.
Molecular consequence: missense variant.
Genome position (GRCh38, 1-based): chr2:108,730,784, A>G. VCF-style: chr2-108730784-A-G. GRCh37 (hg19) VCF-style: chr2-109347240-A-G.
Other names: short protein forms T51A.
Identifiers: ClinVar variation 966635 (VCV000966635.8), dbSNP rs1389706312, ClinGen allele CA348037632.
Genomic context (GRCh38, chr2:108,730,784, plus strand): 5'-AAAGTACAGTTCTAAGTTTAATTTACTTTTGTATTACTTTTAAAAAACAGATACATATGT[A>G]CTTACATTAATGTGCAAGAGAGGGATCCCAAAGCTCACAGATTTCTGGGTCTTCTTTATG-3'
Protein context (NP_006258.3, residues 41-61): EYDLAKKYIC[Thr51Ala]YINVQERDPK

ClinVar aggregate classification (germline): Uncertain significance. Review status: criteria provided, multiple submitters, no conflicts (2 of 4 stars). 2 submissions from 2 submitters: Uncertain significance (2). Last evaluated 2025-01-15.

Conditions:
Familial acute necrotizing encephalopathy (IIAE3). Also called: ENCEPHALOPATHY, ACUTE, INFECTION-INDUCED, SUSCEPTIBILITY TO, 3; Susceptibility to Acute Necrotizing Encephalopathy 1. Identifiers: Orphanet 88619, MedGen C2675556, MONDO:0011953, OMIM 608033.

Allele frequency attached by ClinVar (database versions not stated): gnomAD exomes below 0.00001; TOPMed 0.00002.
gnomAD v4.1: 2 of 1,611,564 alleles (0.00012%); highest among the groups gnomAD compares: African/African-American, 0.0013%; no homozygotes.

Submissions (2):

Ambry Genetics
Classification: Uncertain significance. Last evaluated: 2025-01-15. Review status: criteria provided, single submitter. Criteria: Ambry Variant Classification Scheme 2023. Collection method: clinical testing. Allele origin: germline.

Labcorp Genetics (formerly Invitae), Labcorp
Classification: Uncertain significance for Familial acute necrotizing encephalopathy. Last evaluated: 2019-11-01. Review status: criteria provided, single submitter. Criteria: Invitae Variant Classification Sherloc (09022015). Collection method: clinical testing. Allele origin: germline.
Comment: This sequence change replaces threonine with alanine at codon 51 of the RANBP2 protein (p.Thr51Ala). The threonine residue is highly conserved and there is a small physicochemical difference between threonine and alanine. In summary, the available evidence is currently insufficient to determine the role of this variant in disease. Therefore, it has been classified as a Variant of Uncertain Significance. Algorithms developed to predict the effect of missense changes on protein structure and function output the following: SIFT: "Deleterious"; PolyPhen-2: "Benign"; Align-GVGD: "Class C55". The alanine amino acid residue is found in multiple mammalian species, suggesting that this missense change does not adversely affect protein function. These predictions have not been confirmed by published functional studies and their clinical significance is uncertain. This variant has not been reported in the literature in individuals with RANBP2-related conditions. This variant is not present in population databases (ExAC no frequency).